The following is an entry in ClinVar:

ClinVar aggregate classification (germline): Uncertain significance. Review status: criteria provided, multiple submitters, no conflicts (2 of 4 stars). 4 submissions from 4 submitters: Uncertain significance (4). Last evaluated 2026-01-13.

Conditions:
Cardiovascular phenotype. Identifiers: MedGen CN230736.
Congenital primary aphakia. Also called: Anterior segment dysgenesis 2, multiple subtypes; ANTERIOR SEGMENT DYSGENESIS 2. Identifiers: Orphanet 83461, MedGen C1853230, MONDO:0012456, OMIM 610256.
Anterior segment dysgenesis. Also called: Ocular anterior segment dysgenesis. Identifiers: Orphanet 88632, MedGen C1862839, MONDO:0019503, HP:0007700.

Allele frequency attached by ClinVar (database versions not stated): ExAC 0.00004; TOPMed 0.00008; gnomAD exomes 0.00009 and 0.00012; ESP Exome Variant Server 0.00015.
gnomAD v4.1: 182 of 1,599,930 alleles (0.011%); highest among the groups gnomAD compares: Non-Finnish European, 0.015%; no homozygotes.

Submissions (4):

Labcorp Genetics (formerly Invitae), Labcorp
Classification: Uncertain significance for Anterior segment dysgenesis; Congenital primary aphakia. Last evaluated: 2026-01-13. Review status: criteria provided, single submitter. Criteria: Invitae Variant Classification Sherloc (09022015). Collection method: clinical testing. Allele origin: germline.
Comment: This sequence change replaces arginine, which is basic and polar, with leucine, which is neutral and non-polar, at codon 90 of the FOXE3 protein (p.Arg90Leu). This variant is present in population databases (rs371048362, gnomAD 0.02%). This missense change has been observed in individual(s) with autosomal recessive congenital primary aphakia and/or clinical features of FOXE3-related disease (PMID: 11980846, 25504734, 29136273, 35051625; internal data). In at least one individual the data is consistent with being in trans (on the opposite chromosome) from a pathogenic variant. ClinVar contains an entry for this variant (Variation ID: 960001). Invitae Evidence Modeling of protein sequence and biophysical properties (such as structural, functional, and spatial information, amino acid conservation, physicochemical variation, residue mobility, and thermodynamic stability) has been performed for this missense variant. However, the output from this modeling did not meet the statistical confidence thresholds required to predict the impact of this variant on FOXE3 protein function. Experimental studies are conflicting or provide insufficient evidence to determine the effect of this variant on FOXE3 function (PMID: 25504734). In summary, the available evidence is currently insufficient to determine the role of this variant in disease. Therefore, it has been classified as a Variant of Uncertain Significance.

Laboratory for Molecular Medicine, Mass General Brigham Personalized Medicine
Classification: Uncertain significance for Congenital primary aphakia. Last evaluated: 2023-12-28. Review status: criteria provided, single submitter. Criteria: ACMG Guidelines, 2015. Collection method: clinical testing. Allele origin: germline. Inheritance: Autosomal recessive inheritance.
Comment: The p.Arg90Leu variant in FOXE3 has been reported in the compound heterozygous state in 2 individuals with other pathogenic variants in FOXE3, and in the heterozygous state in 3 individuals with ocular abnormalities, two of whom had a variant in another gene which explained the phenotype (Ormestad 2002 PMID: 11980846, Islam 2015 PMID: 25504734, Plaisancie 2018 PMID: 29136273, Ernst 2022 PMID: 35051625). This variant has also been reported by other clinical laboratories in ClinVar (Variation ID 960001) and has been identified in 0.01% (9/67470) of European chromosomes by gnomAD (v.3.1.2). In vitro functional studies provide some evidence that this variant does not impact binding capability, however, does reduce activation levels (Islam 2015 PMID: 25504734); however, these types of assays may not accurately represent biological function. Computational prediction tools and conservation analyses suggest that this variant may impact the protein, though this information is not predictive enough to determine pathogenicity. In summary, while there is some suspicion for a pathogenic role, the clinical significance of this variant is uncertain. ACMG/AMP Criteria applied: PM3_Strong, PP3.

Blueprint Genetics
Classification: Uncertain significance. Last evaluated: 2023-09-06. Review status: criteria provided, single submitter. Criteria: ACMG Guidelines, 2015. Collection method: clinical testing. Allele origin: germline.

Ambry Genetics
Classification: Uncertain significance for Cardiovascular phenotype. Last evaluated: 2023-08-18. Review status: criteria provided, single submitter. Criteria: Ambry Variant Classification Scheme 2023. Collection method: clinical testing. Allele origin: germline.
Comment: The p.R90L variant (also known as c.269G>T), located in coding exon 1 of the FOXE3 gene, results from a G to T substitution at nucleotide position 269. The arginine at codon 90 is replaced by leucine, an amino acid with dissimilar properties. This alteration has been reported in subjects with FOXE3-related disorders (Ormestad M et al. Invest Ophthalmol Vis Sci, 2002 May;43:1350-7; Islam L et al. Hum Mutat, 2015 Mar;36:296-300; Plaisanci&eacute; J et al. Clin Genet, 2018 Apr;93:837-845). This amino acid position is well conserved in available vertebrate species. In addition, this alteration is predicted to be deleterious by in silico analysis. Since supporting evidence is limited at this time, the clinical significance of this alteration remains unclear.

Literature cited by the submitters: PubMed 11980846 (cited by Labcorp Genetics (formerly Invitae), Labcorp and Ambry Genetics); PubMed 25504734 (cited by Labcorp Genetics (formerly Invitae), Labcorp and Ambry Genetics); PubMed 29136273 (cited by Labcorp Genetics (formerly Invitae), Labcorp and Ambry Genetics); PubMed 35051625 (cited by Labcorp Genetics (formerly Invitae), Labcorp).

NM_012186.3(FOXE3):c.269G>T (p.Arg90Leu)

Genes: FOXE3 (forkhead box E3; plus strand), LINC01389 (long independently transcribed non-coding RNA 1389; minus strand). Cytogenetic location: 1p33.
Variant type: single nucleotide variant.
Coding change: c.269G>T on transcript NM_012186.3 (MANE Select); coding-DNA position 269, G replaced by T.
Protein change: p.Arg90Leu; replaces arginine 90 with leucine.
Molecular consequence: missense variant.
Genome position (GRCh38, 1-based): chr1:47,416,584, G>T. VCF-style: chr1-47416584-G-T. GRCh37 (hg19) VCF-style: chr1-47882256-G-T.
Other names: short protein forms R90L.
Identifiers: ClinVar variation 960001 (VCV000960001.12), dbSNP rs371048362, ClinGen allele CA842922.